The following is an entry in ClinVar:

ClinVar aggregate classification (germline): Uncertain significance (1 of 4 stars; one submission).

Submission:

Ambry Genetics
Classification: Uncertain significance. Last evaluated: 2024-03-28. Review status: criteria provided, single submitter. Criteria: Ambry Variant Classification Scheme 2023. Collection method: clinical testing. Allele origin: germline.
Comment: The p.N1192K variant (also known as c.3576T>G), located in coding exon 17 of the NPAT gene, results from a T to G substitution at nucleotide position 3576. The asparagine at codon 1192 is replaced by lysine, an amino acid with similar properties. This amino acid position is conserved. In addition, this alteration is predicted to be tolerated by in silico analysis. Based on the available evidence, the clinical significance of this alteration remains unclear.

NM_002519.3(NPAT):c.3576T>G (p.Asn1192Lys)

Gene: NPAT (nuclear protein, coactivator of histone transcription; minus strand). Cytogenetic location: 11q22.3.
Variant type: single nucleotide variant.
Coding change: c.3576T>G on transcript NM_002519.3 (MANE Select); coding-DNA position 3576, T replaced by G.
Protein change: p.Asn1192Lys; replaces asparagine 1192 with lysine.
Molecular consequence: missense variant.
Genome position (GRCh38, 1-based): chr11:108,161,510, A>C on the plus strand (T>G on the coding strand, the complement: NPAT is on the minus strand). VCF-style: chr11-108161510-A-C. GRCh37 (hg19) VCF-style: chr11-108032237-A-C.
Other names: c.3597T>G, p.Asn1199Lys (NM_001321307.1); short protein forms N1199K, N1192K.
Identifiers: ClinVar variation 3300652 (VCV003300652.1).